The following is an entry in ClinVar:

ClinVar aggregate classification (germline): Benign (0 of 4 stars; one submission).

Conditions:
SREBF2-related disorder. Also called: SREBF2-related condiiton.

Allele frequency attached by ClinVar (database versions not stated): 1000 Genomes Project 0.00100; 1000 Genomes Project 30x 0.00109; ExAC 0.00161; gnomAD 0.00213; ESP Exome Variant Server 0.00242; TOPMed 0.00252.
gnomAD v4.1: 713 of 1,579,458 alleles (0.045%); highest among the groups gnomAD compares: African/African-American, 0.8%; 2 homozygotes.

Submission:

PreventionGenetics, part of Exact Sciences
Classification: Benign for SREBF2-related condition. Last evaluated: 2019-06-18. Review status: no assertion criteria provided. Collection method: clinical testing. Allele origin: germline.
Comment: This variant is classified as benign based on ACMG/AMP sequence variant interpretation guidelines (Richards et al. 2015 PMID: 25741868, with internal and published modifications).

NM_004599.4(SREBF2):c.3239G>A (p.Arg1080Gln)

Gene: SREBF2 (sterol regulatory element binding transcription factor 2; plus strand). Cytogenetic location: 22q13.2.
Variant type: single nucleotide variant.
Coding change: c.3239G>A on transcript NM_004599.4 (MANE Select); coding-DNA position 3239, G replaced by A.
Protein change: p.Arg1080Gln; replaces arginine 1080 with glutamine.
Molecular consequence: missense variant. On other transcripts: non-coding transcript variant (1).
Genome position (GRCh38, 1-based): chr22:41,905,473, G>A. VCF-style: chr22-41905473-G-A. GRCh37 (hg19) VCF-style: chr22-42301477-G-A.
Other names: short protein forms R1080Q.
Identifiers: ClinVar variation 3038732 (VCV003038732.2), dbSNP rs199735149, ClinGen allele CA10262297.